The following is an entry in ClinVar:

NM_031433.4(MFRP):c.1014C>A (p.Ser338Arg)

Genes: C1QTNF5 (C1q and TNF related 5; minus strand), MFRP (membrane frizzled-related protein; minus strand). Cytogenetic location: 11q23.3.
Variant type: single nucleotide variant.
Coding change: c.1014C>A on transcript NM_031433.4 (MANE Select); coding-DNA position 1014, C replaced by A.
Protein change: p.Ser338Arg; replaces serine 338 with arginine.
Molecular consequence: missense variant. On other transcripts: 5 prime UTR variant (1).
Genome position (GRCh38, 1-based): chr11:119,343,926, G>T on the plus strand (C>A on the coding strand, the complement: MFRP is on the minus strand). VCF-style: chr11-119343926-G-T. GRCh37 (hg19) VCF-style: chr11-119214636-G-T.
Other names: c.-1623C>A (NM_015645.5); short protein forms S338R.
Identifiers: ClinVar variation 167294 (VCV000167294.29), dbSNP rs145319149, ClinGen allele CA017140.

ClinVar aggregate classification (germline): Conflicting classifications of pathogenicity. Review status: criteria provided, conflicting classifications (1 of 4 stars). 10 submissions from 9 submitters: Uncertain significance (4); Likely benign (3). 3 of the submissions do not count toward it. Last evaluated 2025-03-01.

Conditions:
MFRP-related disorder. Also called: MFRP-related disorders; MFRP-related condition.
Retinal dystrophy. Also called: Inherited retinal dystrophy. Identifiers: Orphanet 71862, MedGen C0854723, MeSH D058499, MONDO:0019118, HP:0000556.
Isolated microphthalmia 5. Also called: Posterior Microphthalmia with Retinitis Pigmentosa, Foveoschisis, and Optic Disc Drusen. Identifiers: Orphanet 251279, MedGen C1970236, MONDO:0012605, OMIM 611040.
Late-onset retinal degeneration (LORD). Also called: RETINAL DEGENERATION, LATE-ONSET, AUTOSOMAL DOMINANT. Identifiers: Orphanet 67042, MedGen C1854065, MONDO:0011579, OMIM 605670. Disease mechanism: loss of function.

Allele frequency attached by ClinVar (database versions not stated): ExAC 0.00100; gnomAD 0.00093 and 0.00126; gnomAD exomes 0.00100; TOPMed 0.00123; ESP Exome Variant Server 0.00077.
gnomAD v4.1: 2,287 of 1,613,508 alleles (0.14%); highest among the groups gnomAD compares: Non-Finnish European, 0.17%; 2 homozygotes.

Submissions (10):

CeGaT Center for Human Genetics Tuebingen
Classification: Likely benign. Last evaluated: 2025-03-01. Review status: criteria provided, single submitter. Criteria: CeGaT Center For Human Genetics Tuebingen Variant Classification Criteria Version 2. Collection method: clinical testing. Allele origin: germline. Affected: yes. Observed: 1 variant allele.
Comment: MFRP: BP4, BS2

Blueprint Genetics
Classification: Likely benign. Last evaluated: 2024-11-22. Review status: criteria provided, single submitter. Criteria: ACMG Guidelines, 2015. Collection method: clinical testing. Allele origin: germline.

Labcorp Genetics (formerly Invitae), Labcorp
Classification: Uncertain significance for Isolated microphthalmia 5. Last evaluated: 2022-10-24. Review status: criteria provided, single submitter. Criteria: Invitae Variant Classification Sherloc (09022015). Collection method: clinical testing. Allele origin: germline.
Comment: This sequence change replaces serine, which is neutral and polar, with arginine, which is basic and polar, at codon 338 of the MFRP protein (p.Ser338Arg). This variant is present in population databases (rs145319149, gnomAD 0.1%), and has an allele count higher than expected for a pathogenic variant. This variant has not been reported in the literature in individuals affected with MFRP-related conditions. ClinVar contains an entry for this variant (Variation ID: 167294). Advanced modeling of protein sequence and biophysical properties (such as structural, functional, and spatial information, amino acid conservation, physicochemical variation, residue mobility, and thermodynamic stability) performed at Invitae indicates that this missense variant is not expected to disrupt MFRP protein function. In summary, the available evidence is currently insufficient to determine the role of this variant in disease. Therefore, it has been classified as a Variant of Uncertain Significance.

Institute of Human Genetics, Univ. Regensburg, Univ. Regensburg
Classification: Uncertain significance for Retinal dystrophy. Last evaluated: 2022-01-01. Review status: criteria provided, single submitter. Criteria: ACMG Guidelines, 2015. Collection method: clinical testing. Allele origin: germline. Affected: yes.

Illumina Laboratory Services, Illumina
Classification: Likely benign for Late-onset retinal degeneration. Last evaluated: 2018-01-13. Review status: criteria provided, single submitter. Criteria: ICSL Variant Classification Criteria 13 December 2019. Collection method: clinical testing. Allele origin: germline.
Comment: This variant was observed in the ICSL laboratory as part of a predisposition screen in an ostensibly healthy population. It had not been previously curated by ICSL or reported in the Human Gene Mutation Database (HGMD: prior to June 1st, 2018), and was therefore a candidate for classification through an automated scoring system. Utilizing variant allele frequency, disease prevalence and penetrance estimates, and inheritance mode, an automated score was calculated to assess if this variant is too frequent to cause the disease. Based on the score and internal cut-off values, a variant classified as likely benign is not then subjected to further curation. The score for this variant resulted in a classification of likely benign for this disease.

Illumina Laboratory Services, Illumina
Classification: Uncertain significance for Isolated microphthalmia 5. Last evaluated: 2018-01-12. Review status: criteria provided, single submitter. Criteria: ICSL Variant Classification Criteria 13 December 2019. Collection method: clinical testing. Allele origin: germline.

Eurofins Ntd Llc (ga)
Classification: Uncertain significance. Last evaluated: 2013-08-30. Review status: criteria provided, single submitter. Criteria: EGL Classification Definitions 2015. Collection method: clinical testing. Allele origin: germline. Observed: 1 variant allele, 1 heterozygote.

PreventionGenetics, part of Exact Sciences
Classification: Likely benign for MFRP-related condition. Last evaluated: 2022-02-07. Review status: no assertion criteria provided. Collection method: clinical testing. Allele origin: germline. Not counted in ClinVar's aggregate classification.
Comment: This variant is classified as likely benign based on ACMG/AMP sequence variant interpretation guidelines (Richards et al. 2015 PMID: 25741868, with internal and published modifications).

Clinical Genetics DNA and cytogenetics Diagnostics Lab, Erasmus MC, Erasmus Medical Center
Classification: Uncertain significance. Review status: no assertion criteria provided. Collection method: clinical testing. Allele origin: germline. Affected: yes. Study: VKGL Data-share Consensus. Not counted in ClinVar's aggregate classification.

Clinical Genetics, Academic Medical Center
Classification: Uncertain significance. Review status: no assertion criteria provided. Collection method: clinical testing. Allele origin: germline. Affected: yes. Study: VKGL Data-share Consensus. Not counted in ClinVar's aggregate classification.

Literature cited by the submitters: PubMed 32483926 (cited by Institute of Human Genetics, Univ. Regensburg, Univ. Regensburg).